The following is an entry in ClinVar:

NM_001851.6(COL9A1):c.194T>C (p.Val65Ala)

Gene: COL9A1 (collagen type IX alpha 1 chain; minus strand). Cytogenetic location: 6q13.
Variant type: single nucleotide variant.
Coding change: c.194T>C on transcript NM_001851.6 (MANE Select); coding-DNA position 194, T replaced by C.
Protein change: p.Val65Ala; replaces valine 65 with alanine.
Molecular consequence: missense variant.
Genome position (GRCh38, 1-based): chr6:70,300,148, A>G on the plus strand (T>C on the coding strand, the complement: COL9A1 is on the minus strand). VCF-style: chr6-70300148-A-G. GRCh37 (hg19) VCF-style: chr6-71009851-A-G.
Other names: c.194T>C, p.Val65Ala (NM_001377291.1); short protein forms V65A.
Identifiers: ClinVar variation 1320762 (VCV001320762.5), dbSNP rs371407785, ClinGen allele CA3882882.

ClinVar aggregate classification (germline): Uncertain significance. Review status: criteria provided, multiple submitters, no conflicts (2 of 4 stars). 2 submissions from 2 submitters: Uncertain significance (2). Last evaluated 2025-08-23.

Conditions:
Inborn genetic diseases. Identifiers: MedGen C0950123, MeSH D030342.

Allele frequency attached by ClinVar (database versions not stated): TOPMed below 0.00001; ExAC 0.00001; gnomAD 0.00001; gnomAD exomes 0.00001; ESP Exome Variant Server 0.00008.

Submissions (2):

Ambry Genetics
Classification: Uncertain significance for Inborn genetic diseases. Last evaluated: 2025-08-23. Review status: criteria provided, single submitter. Criteria: Ambry Variant Classification Scheme 2023. Collection method: clinical testing. Allele origin: germline.

GeneDx
Classification: Uncertain significance. Last evaluated: 2020-01-02. Review status: criteria provided, single submitter. Criteria: GeneDx Variant Classification Process June 2021. Collection method: clinical testing. Allele origin: germline. Affected: yes.
Comment: Has not been previously published as pathogenic or benign to our knowledge; Not observed at a significant frequency in large population cohorts (Lek et al., 2016); In silico analysis, which includes protein predictors and evolutionary conservation, supports that this variant does not alter protein structure/function